The following is an entry in ClinVar:

NM_002608.4(PDGFB):c.641G>A (p.Arg214Gln)

Gene: PDGFB (platelet derived growth factor subunit B; minus strand). Cytogenetic location: 22q13.1.
Variant type: single nucleotide variant.
Coding change: c.641G>A on transcript NM_002608.4 (MANE Select); coding-DNA position 641, G replaced by A.
Protein change: p.Arg214Gln; replaces arginine 214 with glutamine.
Molecular consequence: missense variant.
Genome position (GRCh38, 1-based): chr22:39,225,808, C>T on the plus strand (G>A on the coding strand, the complement: PDGFB is on the minus strand). VCF-style: chr22-39225808-C-T. GRCh37 (hg19) VCF-style: chr22-39621813-C-T.
Other names: c.596G>A, p.Arg199Gln (NM_033016.3); c.641G>A (NM_002608.2); short protein forms R199Q, R214Q.
Identifiers: ClinVar variation 3615803 (VCV003615803.2).

ClinVar aggregate classification (germline): Uncertain significance. Review status: criteria provided, multiple submitters, no conflicts (2 of 4 stars). 2 submissions from 2 submitters: Uncertain significance (2). Last evaluated 2025-03-28.

Conditions:
Inborn genetic diseases. Identifiers: MedGen C0950123, MeSH D030342.

Submissions (2):

Ambry Genetics
Classification: Uncertain significance for Inborn genetic diseases. Last evaluated: 2025-03-28. Review status: criteria provided, single submitter. Criteria: Ambry Variant Classification Scheme 2023. Collection method: clinical testing. Allele origin: germline.

Labcorp Genetics (formerly Invitae), Labcorp
Classification: Uncertain significance. Last evaluated: 2024-07-07. Review status: criteria provided, single submitter. Criteria: Invitae Variant Classification Sherloc (09022015). Collection method: clinical testing. Allele origin: germline.
Comment: This sequence change replaces arginine, which is basic and polar, with glutamine, which is neutral and polar, at codon 214 of the PDGFB protein (p.Arg214Gln). This variant is present in population databases (rs773778716, gnomAD 0.006%). This variant has not been reported in the literature in individuals affected with PDGFB-related conditions. An algorithm developed to predict the effect of missense changes on protein structure and function (PolyPhen-2) suggests that this variant is likely to be disruptive. In summary, the available evidence is currently insufficient to determine the role of this variant in disease. Therefore, it has been classified as a Variant of Uncertain Significance.